The following is an entry in ClinVar:

NM_005585.5(SMAD6):c.1348C>A (p.Pro450Thr)

Gene: SMAD6 (SMAD family member 6; plus strand). Cytogenetic location: 15q22.31.
Variant type: single nucleotide variant.
Coding change: c.1348C>A on transcript NM_005585.5 (MANE Select); coding-DNA position 1348, C replaced by A.
Protein change: p.Pro450Thr; replaces proline 450 with threonine.
Molecular consequence: missense variant. On other transcripts: non-coding transcript variant (1).
Genome position (GRCh38, 1-based): chr15:66,781,392, C>A. VCF-style: chr15-66781392-C-A. GRCh37 (hg19) VCF-style: chr15-67073730-C-A.
Other names: c.1348C>A (NM_005585.4); short protein forms P450T.
Identifiers: ClinVar variation 1505754 (VCV001505754.6), dbSNP rs369864879, ClinGen allele CA272023795.

ClinVar aggregate classification (germline): Uncertain significance. Review status: criteria provided, multiple submitters, no conflicts (2 of 4 stars). 2 submissions from 2 submitters: Uncertain significance (2). Last evaluated 2025-12-15.

Conditions:
Aortic valve disease 2 (AOVD2). Identifiers: MedGen C3542024, MONDO:0013902, OMIM 614823.
SMAD6-related disease. Also called: SMAD6-related condition; SMAD6-related disorder. Identifiers: MedGen CN381596, MONDO:0700324.

Allele frequency attached by ClinVar (database versions not stated): gnomAD exomes below 0.00001.
gnomAD v4.1: 20 of 1,602,216 alleles (0.0012%); highest among the groups gnomAD compares: African/African-American, 0.008%; no homozygotes.

Submissions (2):

Labcorp Genetics (formerly Invitae), Labcorp
Classification: Uncertain significance for Aortic valve disease 2. Last evaluated: 2025-12-15. Review status: criteria provided, single submitter. Criteria: Invitae Variant Classification Sherloc (09022015). Collection method: clinical testing. Allele origin: germline.
Comment: This sequence change replaces proline, which is neutral and non-polar, with threonine, which is neutral and polar, at codon 450 of the SMAD6 protein (p.Pro450Thr). This variant is not present in population databases (gnomAD no frequency). This variant has not been reported in the literature in individuals affected with SMAD6-related conditions. ClinVar contains an entry for this variant (Variation ID: 1505754). Invitae Evidence Modeling of protein sequence and biophysical properties (such as structural, functional, and spatial information, amino acid conservation, physicochemical variation, residue mobility, and thermodynamic stability) indicates that this missense variant is not expected to disrupt SMAD6 protein function with a negative predictive value of 80%. In summary, the available evidence is currently insufficient to determine the role of this variant in disease. Therefore, it has been classified as a Variant of Uncertain Significance.

PreventionGenetics, part of Exact Sciences
Classification: Uncertain significance for SMAD6-related condition. Last evaluated: 2023-07-16. Review status: criteria provided, single submitter. Criteria: ACMG Guidelines, 2015. Collection method: clinical testing. Allele origin: germline.
Comment: The SMAD6 c.1348C>A variant is predicted to result in the amino acid substitution p.Pro450Thr. To our knowledge, this variant has not been reported in the literature or in a large population database, indicating this variant is rare. At this time, the clinical significance of this variant is uncertain due to the absence of conclusive functional and genetic evidence.